The following is an entry in ClinVar:

ClinVar aggregate classification (germline): Uncertain significance (1 of 4 stars; one submission).

Submission:

GeneDx
Classification: Uncertain significance. Last evaluated: 2022-11-02. Review status: criteria provided, single submitter. Criteria: GeneDx Variant Classification Process June 2021. Collection method: clinical testing. Allele origin: germline. Affected: yes.
Comment: Not observed at significant frequency in large population cohorts (gnomAD); In silico analysis supports that this missense variant has a deleterious effect on protein structure/function; Has not been previously published as pathogenic or benign to our knowledge

NM_001256012.3(MYH10):c.584T>C (p.Leu195Pro)

Gene: MYH10 (myosin heavy chain 10; minus strand). Cytogenetic location: 17p13.1.
Variant type: single nucleotide variant.
Coding change: c.584T>C on transcript NM_001256012.3 (MANE Select); coding-DNA position 584, T replaced by C.
Protein change: p.Leu195Pro; replaces leucine 195 with proline.
Molecular consequence: missense variant.
Genome position (GRCh38, 1-based): chr17:8,577,285, A>G on the plus strand (T>C on the coding strand, the complement: MYH10 is on the minus strand). VCF-style: chr17-8577285-A-G. GRCh37 (hg19) VCF-style: chr17-8480603-A-G.
Other names: c.584T>C, p.Leu195Pro (NM_001256095.2, NM_001375266.1, NM_005964.5); short protein forms L195P.
Identifiers: ClinVar variation 2501439 (VCV002501439.1), dbSNP rs2544567923, ClinGen allele CA398228088.